The following is an entry in ClinVar:

NC_000011.10:g.68403494_68403495insTTTTTTTTTTTTTTTTTTTTNNNNNNNNNNGGATGGTCTCGATCTCCTGACCTCATGATCCACCCGCCTCGGCCTCCCAAAGTGCTGGGATTACAGGCAGGTGATCAATGTT

Gene: LRP5 (LDL receptor related protein 5; plus strand). Cytogenetic location: 11q13.2.
Variant type: Insertion.
Genome position: GRCh38: chr11:68,403,494-68,403,495. GRCh37 (hg19): chr11:68,170,962-68,170,963.
Identifiers: ClinVar variation 2005923 (VCV002005923.5).

ClinVar aggregate classification (germline): Pathogenic (1 of 4 stars; one submission).

Submission:

Labcorp Genetics (formerly Invitae), Labcorp
Classification: Pathogenic. Last evaluated: 2026-01-22. Review status: criteria provided, single submitter. Criteria: Invitae Variant Classification Sherloc (09022015). Collection method: clinical testing. Allele origin: germline.
Comment: This sequence change inserts a large fragment of DNA, likely a transposable element, in exon 8 of the LRP5 gene (c.1596_1597ins?), causing a frameshift at codon 533 (p.Asp533fs). The exact size and sequence of the insertion cannot be determined by the current assay. However, the insertion is expected to result in an absent or disrupted protein product. This variant is not present in population databases (gnomAD no frequency). This variant has not been reported in the literature in individuals affected with LRP5-related conditions. ClinVar contains an entry for this variant (Variation ID: 2005923). Retrotransposon insertions including LINE1 (L1), Alu, and SVA (SINE-VNTR-Alu) have been reported to be disease-causing through disruption of either a coding region or splice site (PMID: 19763152, 20307669, 22406018) and loss-of-function variants in LRP5 are known to be pathogenic (PMID: 11719191, 16252235, 25711638). For these reasons, this variant has been classified as Pathogenic.

Literature cited by the submitters: PubMed 19763152; PubMed 20307669; PubMed 22406018; PubMed 11719191; PubMed 16252235; PubMed 25711638.